The following is an entry in ClinVar:

ClinVar aggregate classification (germline): Uncertain significance. Review status: criteria provided, multiple submitters, no conflicts (2 of 4 stars). 2 submissions from 2 submitters: Uncertain significance (2). Last evaluated 2024-01-23.

Conditions:
Inborn genetic diseases. Identifiers: MedGen C0950123, MeSH D030342.

Allele frequency attached by ClinVar (database versions not stated): gnomAD 0.00001; gnomAD exomes 0.00003; TOPMed 0.00003; ExAC 0.00011.

Submissions (2):

Ambry Genetics
Classification: Uncertain significance for Inborn genetic diseases. Last evaluated: 2024-01-23. Review status: criteria provided, single submitter. Criteria: Ambry Variant Classification Scheme 2023. Collection method: clinical testing. Allele origin: germline.

Labcorp Genetics (formerly Invitae), Labcorp
Classification: Uncertain significance. Last evaluated: 2022-03-26. Review status: criteria provided, single submitter. Criteria: Invitae Variant Classification Sherloc (09022015). Collection method: clinical testing. Allele origin: germline.
Comment: This sequence change replaces serine, which is neutral and polar, with leucine, which is neutral and non-polar, at codon 238 of the ESCO2 protein (p.Ser238Leu). This variant is present in population databases (rs759999100, gnomAD 0.1%). This variant has not been reported in the literature in individuals affected with ESCO2-related conditions. Algorithms developed to predict the effect of missense changes on protein structure and function output the following: SIFT: "Tolerated"; PolyPhen-2: "Benign"; Align-GVGD: "Class C0". The leucine amino acid residue is found in multiple mammalian species, which suggests that this missense change does not adversely affect protein function. In summary, the available evidence is currently insufficient to determine the role of this variant in disease. Therefore, it has been classified as a Variant of Uncertain Significance.

NM_001017420.3(ESCO2):c.713C>T (p.Ser238Leu)

Gene: ESCO2 (establishment of sister chromatid cohesion N-acetyltransferase 2; plus strand). Cytogenetic location: 8p21.1.
Variant type: single nucleotide variant.
Coding change: c.713C>T on transcript NM_001017420.3 (MANE Select); coding-DNA position 713, C replaced by T.
Protein change: p.Ser238Leu; replaces serine 238 with leucine.
Molecular consequence: missense variant.
Genome position (GRCh38, 1-based): chr8:27,777,021, C>T. VCF-style: chr8-27777021-C-T. GRCh37 (hg19) VCF-style: chr8-27634538-C-T.
Other names: short protein forms S238L.
Identifiers: ClinVar variation 2085935 (VCV002085935.2), dbSNP rs759999100, ClinGen allele CA4692098.